The following is an entry in ClinVar:

ClinVar aggregate classification (germline): Uncertain significance. Review status: criteria provided, multiple submitters, no conflicts (2 of 4 stars). 2 submissions from 2 submitters: Uncertain significance (2). Last evaluated 2024-10-22.

Conditions:
Joubert syndrome. Also called: CEREBELLOPARENCHYMAL DISORDER IV; JOUBERT-BOLTSHAUSER SYNDROME; Familial aplasia of the vermis. Identifiers: Orphanet 475, MedGen C5979921, MONDO:0018772.
Meckel-Gruber syndrome. Also called: DYSENCEPHALIA SPLANCHNOCYSTICA; GRUBER SYNDROME; Dysencephalia splachnocystica. Identifiers: Orphanet 564, MedGen C0265215, MONDO:0018921.
Inborn genetic diseases. Identifiers: MedGen C0950123, MeSH D030342.

Allele frequency attached by ClinVar (database versions not stated): gnomAD exomes below 0.00001; TOPMed below 0.00001; gnomAD 0.00001.

Submissions (2):

Labcorp Genetics (formerly Invitae), Labcorp
Classification: Uncertain significance for Joubert syndrome; Meckel-Gruber syndrome. Last evaluated: 2024-10-22. Review status: criteria provided, single submitter. Criteria: Invitae Variant Classification Sherloc (09022015). Collection method: clinical testing. Allele origin: germline.
Comment: This sequence change replaces methionine, which is neutral and non-polar, with isoleucine, which is neutral and non-polar, at codon 178 of the B9D1 protein (p.Met178Ile). This variant is present in population databases (no rsID available, gnomAD no frequency). This variant has not been reported in the literature in individuals affected with B9D1-related conditions. ClinVar contains an entry for this variant (Variation ID: 1376545). An algorithm developed to predict the effect of missense changes on protein structure and function (PolyPhen-2) suggests that this variant¬¨‚Ä†is likely to be tolerated. In summary, the available evidence is currently insufficient to determine the role of this variant in disease. Therefore, it has been classified as a Variant of Uncertain Significance.

Ambry Genetics
Classification: Uncertain significance for Inborn genetic diseases. Last evaluated: 2024-09-24. Review status: criteria provided, single submitter. Criteria: Ambry Variant Classification Scheme 2023. Collection method: clinical testing. Allele origin: germline.

NM_015681.6(B9D1):c.534G>A (p.Met178Ile)

Gene: B9D1 (B9 domain containing 1; minus strand). Cytogenetic location: 17p11.2.
Variant type: single nucleotide variant.
Coding change: c.534G>A on transcript NM_015681.6 (MANE Select); coding-DNA position 534, G replaced by A.
Protein change: p.Met178Ile; replaces methionine 178 with isoleucine.
Molecular consequence: missense variant. On other transcripts: 3 prime UTR variant (2), intron variant (4).
Genome position (GRCh38, 1-based): chr17:19,343,400, C>T on the plus strand (G>A on the coding strand, the complement: B9D1 is on the minus strand). VCF-style: chr17-19343400-C-T. GRCh37 (hg19) VCF-style: chr17-19246713-C-T.
Other names: c.534G>A (NM_015681.3); c.*59G>A (NM_001321214.2); c.*310G>A (NM_001321215.3); c.112+390G>A (NM_001368769.2); c.404+3869G>A (NM_001321219.2); c.472+390G>A (NM_001321218.2, NM_001321217.2); short protein forms M178I.
Identifiers: ClinVar variation 1376545 (VCV001376545.6), dbSNP rs939940954, ClinGen allele CA288544467.